The following is an entry in ClinVar:

NM_000090.4(COL3A1):c.1996G>A (p.Gly666Ser)

Gene: COL3A1 (collagen type III alpha 1 chain; plus strand). Cytogenetic location: 2q32.2.
Variant type: single nucleotide variant.
Coding change: c.1996G>A on transcript NM_000090.4 (MANE Select); coding-DNA position 1996, G replaced by A.
Protein change: p.Gly666Ser; replaces glycine 666 with serine.
Molecular consequence: missense variant.
Genome position (GRCh38, 1-based): chr2:188,998,692, G>A. VCF-style: chr2-188998692-G-A. GRCh37 (hg19) VCF-style: chr2-189863418-G-A.
Other names: short protein forms G666S.
Identifiers: ClinVar variation 640050 (VCV000640050.25), dbSNP rs755528878, ClinGen allele CA074898.

ClinVar aggregate classification (germline): Pathogenic/Likely pathogenic. Review status: criteria provided, multiple submitters, no conflicts (2 of 4 stars). 9 submissions from 9 submitters: Pathogenic (1); Likely pathogenic (8). Last evaluated 2026-08-20.

Conditions:
Familial thoracic aortic aneurysm and aortic dissection (TAAD). Also called: Thoracic aortic aneurysms and dissections. Identifiers: Orphanet 91387, MedGen C4707243, MONDO:0019625.
Ehlers-Danlos syndrome, type 4 (EDSVASC). Also called: Ehlers-Danlos syndrome vascular type; Ehlers Danlos syndrome, ecchymotic type; Ehlers Danlos syndrome, arterial type; Ehlers Danlos syndrome, Sack-Barabas type; Ehlers-Danlos Syndrome Type IV. Identifiers: Orphanet 286, MedGen C0268338, MONDO:0017314, OMIM 130050.
Polymicrogyria with or without vascular-type Ehlers-Danlos syndrome. Identifiers: Orphanet 636941, MedGen C5193040, MONDO:0032688, OMIM 618343.
Ehlers-Danlos syndrome (EDS). Identifiers: Orphanet 98249, MedGen C0013720, MONDO:0020066.

Allele frequency attached by ClinVar (database versions not stated): TOPMed below 0.00001; ExAC 0.00002; gnomAD exomes 0.00002.
gnomAD v4.1: 12 of 1,613,842 alleles (0.00074%); highest among the groups gnomAD compares: Non-Finnish European, 0.00093%; no homozygotes.

Submissions (9):

Ambry Genetics
Classification: Likely pathogenic for Familial thoracic aortic aneurysm and aortic dissection. Last evaluated: 2026-08-20. Review status: criteria provided, single submitter. Criteria: Ambry Variant Classification Scheme 2023. Collection method: clinical testing. Allele origin: germline.
Comment: The p.G666S variant (also known as c.1996G>A), located in coding exon 29 of the COL3A1 gene, results from a G to A substitution at nucleotide position 1996. The glycine at codon 666 is replaced by serine, an amino acid with similar properties. The majority (approximately two-thirds) of COL3A1 mutations identified to date have involved the substitution of another amino acid for glycine within the triple-helical domain (Pepin MG et al. Genet Med. 2014;16(12):881-8; Frank M et al. Eur J Hum Genet. 2015;23(12):1657-64). Internal structural analysis indicates that this alteration disrupts the characteristic G-X-Y motif in the COL3A1 protein and inserts a bulky side chain into a sterically-constrained region (Bella J et al. Science. 1994;266:75-81; Hohenester E et al. Proc. Natl. Acad. Sci. U.S.A. 2008;105:18273-7; Ambry internal data). This amino acid position is highly conserved in available vertebrate species. In addition, this alteration is predicted to be deleterious by in silico analysis. Based on the majority of available evidence to date, this variant is likely to be pathogenic.

GeneDx
Classification: Likely pathogenic. Last evaluated: 2026-07-15. Review status: criteria provided, single submitter. Criteria: GeneDx Variant Classification Process June 2021. Collection method: clinical testing. Allele origin: germline.
Comment: Reported in an individual with arterial events in a cohort of vascular Ehlers-Danlos patients; however, further clinical detail was not provided (PMID: 36977837); Not observed at significant frequency in large population cohorts (gnomAD); In silico analysis supports that this missense variant has a deleterious effect on protein structure/function; Occurs in the triple helical domain and replaces the glycine in the canonical Gly-X-Y repeat; missense substitution of a canonical glycine residue is expected to disrupt normal protein folding and function, and this is an established mechanism of disease (HGMD); This variant is associated with the following publications: (PMID: 36977837)

Women's Health and Genetics/Laboratory Corporation of America, LabCorp
Classification: Likely pathogenic for Ehlers-Danlos syndrome, type 4. Last evaluated: 2025-10-21. Review status: criteria provided, single submitter. Criteria: LabCorp Variant Classification Summary - May 2015. Collection method: clinical testing. Allele origin: germline.
Comment: Variant summary: COL3A1 c.1996G>A (p.Gly666Ser) results in a non-conservative amino acid change in the encoded protein sequence. Algorithms developed to predict the effect of missense changes on protein structure and function all suggest that this variant is likely to be disruptive. This variant disrupts the triple helix domain of COL3A1. Glycine residues within the Gly-X-Y repeats of the triple helix domain are required for the structure and stability of fibrillar collagens (PMID: 7695699, 8218237, 19344236). In COL3A1, variants that affect these glycine residues are significantly enriched in individuals with disease (PMID: 24922459, 25758994) compared to the general population (ExAC). The variant allele was found at a frequency of 1.6e-05 in 251156 control chromosomes, predominantly at a frequency of 3.5e-05 within the Non-Finnish European subpopulation in the gnomAD database. c.1996G>A has been reported in the presumed heterozygous state in the literature in individuals affected with sporadic aortic dissection or presumptive vascular Ehlers-Danlos syndrome (Bowen_2023, Li_2017). These data indicate that the variant may be associated with disease. To our knowledge, no experimental evidence demonstrating an impact on protein function has been reported. The following publications have been ascertained in the context of this evaluation (PMID: 36977837, 27975164). ClinVar contains an entry for this variant (Variation ID: 640050). Based on the evidence outlined above, the variant was classified as likely pathogenic.

Labcorp Genetics (formerly Invitae), Labcorp
Classification: Pathogenic for Ehlers-Danlos syndrome, type 4. Last evaluated: 2024-12-17. Review status: criteria provided, single submitter. Criteria: Invitae Variant Classification Sherloc (09022015). Collection method: clinical testing. Allele origin: germline.
Comment: This sequence change replaces glycine, which is neutral and non-polar, with serine, which is neutral and polar, at codon 666 of the COL3A1 protein (p.Gly666Ser). This variant is present in population databases (rs755528878, gnomAD 0.004%). This missense change has been observed in individuals with clinical features of vascular Ehlers Danlos syndrome (internal data). ClinVar contains an entry for this variant (Variation ID: 640050). Invitae Evidence Modeling of protein sequence and biophysical properties (such as structural, functional, and spatial information, amino acid conservation, physicochemical variation, residue mobility, and thermodynamic stability) indicates that this missense variant is expected to disrupt COL3A1 protein function with a positive predictive value of 95%. This variant disrupts the triple helix domain of COL3A1. Glycine residues within the Gly-Xaa-Yaa repeats of the triple helix domain are required for the structure and stability of fibrillar collagens (PMID: 7695699, 8218237, 19344236). In COL3A1, variants that affect these glycine residues are significantly enriched in individuals with disease (PMID: 24922459, 25758994) compared to the general population (ExAC). For these reasons, this variant has been classified as Pathogenic.

All of Us Research Program, National Institutes of Health
Classification: Likely pathogenic for Ehlers-Danlos syndrome, type 4. Last evaluated: 2024-08-13. Review status: criteria provided, single submitter. Criteria: ACMG Guidelines, 2015. Collection method: clinical testing. Allele origin: germline. Inheritance: Autosomal dominant inheritance. Observed: 2 variant alleles, 2 heterozygotes.
Comment: This missense variant replaces glycine with serine at codon 666 of the COL3A1 protein. Computational prediction suggests that this variant may have deleterious impact on protein structure and function. This variant changes one of the conserved glycine residues within the Gly-Xaa-Yaa repeat motifs of the triple helical domain of the COL3A1 protein. Although functional studies have not been performed for this variant, conserved glycine residues within the Gly-Xaa-Yaa repeats are required for the structural stability of fibrillar collagens (PMID: 7695699, 8218237, 19344236) and missense variants occurring at these glycine residues have been associated with disease (PMID: 24922459, 25758994). To our knowledge, functional studies have not been reported for this variant. This variant has been reported in an individual affected with vascular Ehlers-Danlos syndrome (PMID: 36977837), and in another individual affected with sporadic aortic dissection (PMID: 27975164). This variant has been identified in 4/251156 chromosomes in the general population by the Genome Aggregation Database (gnomAD). A different missense variant affecting the same codon, p.Gly666Asp, has also been observed in individuals affected with vascular Ehlers-Danlos syndrome (PMID: 10706896). Based on the available evidence, this variant is classified as Likely Pathogenic.

This study involves interpretation of variants in research participants for the purpose of population health screening. Participant phenotype was not available at the time of variant classification. Additional details can be found in publication PMID: 35346344, PMCID: PMC8962531

Color Diagnostics, LLC DBA Color Health
Classification: Likely pathogenic for Familial thoracic aortic aneurysm and aortic dissection. Last evaluated: 2024-06-18. Review status: criteria provided, single submitter. Criteria: ACMG Guidelines, 2015. Collection method: clinical testing. Allele origin: germline.
Comment: This missense variant replaces glycine with serine at codon 666 of the COL3A1 protein. Computational prediction suggests that this variant may have deleterious impact on protein structure and function. This variant changes one of the conserved glycine residues within the Gly-Xaa-Yaa repeat motifs of the triple helical domain of the COL3A1 protein. Although functional studies have not been performed for this variant, conserved glycine residues within the Gly-Xaa-Yaa repeats are required for the structural stability of fibrillar collagens (PMID: 7695699, 8218237, 19344236) and missense variants occurring at these glycine residues have been associated with disease (PMID: 24922459, 25758994). To our knowledge, functional studies have not been reported for this variant. This variant has been reported in an individual affected with vascular Ehlers-Danlos syndrome (PMID: 36977837), and in another individual affected with sporadic aortic dissection (PMID: 27975164). This variant has been identified in 4/251156 chromosomes in the general population by the Genome Aggregation Database (gnomAD). A different missense variant affecting the same codon, p.Gly666Asp, has also been observed in individuals affected with vascular Ehlers-Danlos syndrome (PMID: 10706896). Based on the available evidence, this variant is classified as Likely Pathogenic.

Baylor Genetics
Classification: Likely pathogenic for Ehlers-Danlos syndrome, type 4. Last evaluated: 2024-02-05. Review status: criteria provided, single submitter. Criteria: ACMG Guidelines, 2015. Collection method: clinical testing. Allele origin: unknown.

Greenwood Genetic Center Diagnostic Laboratories, Greenwood Genetic Center
Classification: Likely pathogenic for Ehlers-Danlos syndrome, type 4. Last evaluated: 2023-06-27. Review status: criteria provided, single submitter. Criteria: ACMG Guidelines, 2015. Collection method: clinical testing. Allele origin: germline.
Comment: PM1, PM2, PM5_Supporting, PP2, PP3

Fulgent Genetics
Classification: Likely pathogenic for Ehlers-Danlos syndrome, type 4; Polymicrogyria with or without vascular-type Ehlers-Danlos syndrome. Last evaluated: 2021-11-06. Review status: criteria provided, single submitter. Criteria: ACMG Guidelines, 2015. Collection method: clinical testing. Allele origin: unknown.

Literature cited by the submitters: PubMed 27975164 (cited by 4 submitters); PubMed 36977837 (cited by 4 submitters); PubMed 7695699 (cited by 3 submitters); PubMed 8218237 (cited by 3 submitters); PubMed 19344236 (cited by 3 submitters); PubMed 24922459 (cited by 3 submitters); PubMed 25758994 (cited by 3 submitters); PubMed 10706896 (cited by All of Us Research Program, National Institutes of Health and Color Diagnostics, LLC DBA Color Health).